The following is an entry in ClinVar:

ClinVar aggregate classification (germline): Uncertain significance (1 of 4 stars; one submission).

Conditions:
Inborn genetic diseases. Identifiers: MedGen C0950123, MeSH D030342.

Submission:

Ambry Genetics
Classification: Uncertain significance for Inborn genetic diseases. Last evaluated: 2025-08-10. Review status: criteria provided, single submitter. Criteria: Ambry Variant Classification Scheme 2023. Collection method: clinical testing. Allele origin: germline.
Comment: The p.G1489V variant (also known as c.4466G>T), located in coding exon 17 of the FANCM gene, results from a G to T substitution at nucleotide position 4466. The glycine at codon 1489 is replaced by valine, an amino acid with dissimilar properties. This amino acid position is conserved. In addition, this alteration is predicted to be tolerated by in silico analysis. Based on the available evidence, the clinical significance of this variant remains unclear.

NM_020937.4(FANCM):c.4466G>T (p.Gly1489Val)

Gene: FANCM (FA complementation group M; plus strand). Cytogenetic location: 14q21.2.
Variant type: single nucleotide variant.
Coding change: c.4466G>T on transcript NM_020937.4 (MANE Select); coding-DNA position 4466, G replaced by T.
Protein change: p.Gly1489Val; replaces glycine 1489 with valine.
Molecular consequence: missense variant.
Genome position (GRCh38, 1-based): chr14:45,183,853, G>T. VCF-style: chr14-45183853-G-T. GRCh37 (hg19) VCF-style: chr14-45653056-G-T.
Other names: c.4388G>T, p.Gly1463Val (NM_001308133.2); short protein forms G1463V, G1489V.
Identifiers: ClinVar variation 4254666 (VCV004254666.1).
Genomic context (GRCh38, chr14:45,183,853, plus strand): 5'-ATGAGAGTGAGAATTTTCCCAAACCATGTTCACAATTAGAAGACTTCAAGGTTTGTAACG[G>T]GAATGCCAGAAGAGGCATCAAAGTCCCAAAGAGACAGAGTCACTTAAAGGTAATCTTTTT-3'
Protein context (NP_065988.1, residues 1479-1499): SQLEDFKVCN[Gly1489Val]NARRGIKVPK